The following is an entry in ClinVar:

ClinVar aggregate classification (germline): Pathogenic (1 of 4 stars; one submission).

Conditions:
Deficiency of UDPglucose-hexose-1-phosphate uridylyltransferase. Also called: GALT deficiency; Galactosemia, classic; GALACTOSE-1-PHOSPHATE URIDYLYLTRANSFERASE DEFICIENCY; GALACTOSEMIA I; Transferase Deficiency Galactosemia. Identifiers: Orphanet 352, Orphanet 79239, MedGen C0268151, MONDO:0009258, OMIM 230400.

gnomAD v4.1: 1 of 1,614,182 alleles (0.000062%); highest among the groups gnomAD compares: Non-Finnish European, 0.000085%; no homozygotes.

Submission:

Women's Health and Genetics/Laboratory Corporation of America, LabCorp
Classification: Pathogenic for Deficiency of UDPglucose-hexose-1-phosphate uridylyltransferase. Last evaluated: 2024-10-23. Review status: criteria provided, single submitter. Criteria: LabCorp Variant Classification Summary - May 2015. Collection method: clinical testing. Allele origin: germline.
Comment: Variant summary: GALT c.160C>T (p.Gln54X) results in a premature termination codon, predicted to cause a truncation of the encoded protein or absence of the protein due to nonsense mediated decay, which are commonly known mechanisms for disease. The variant was absent in 251396 control chromosomes. c.160C>T has been reported in the literature in a compound heterozygous individual affected with Galactosemia (Langley_1997). To our knowledge, no experimental evidence demonstrating an impact on protein function has been reported. The following publication have been ascertained in the context of this evaluation (PMID: 9012409). No submitters have cited clinical-significance assessments for this variant to ClinVar. Based on the evidence outlined above, the variant was classified as pathogenic.

Literature cited by the submitters: PubMed 9012409.

NM_000155.4(GALT):c.160C>T (p.Gln54Ter)

Genes: GALT (galactose-1-phosphate uridylyltransferase; plus strand), LOC130001683 (ATAC-STARR-seq lymphoblastoid active region 28314; plus strand). Cytogenetic location: 9p13.3.
Variant type: single nucleotide variant.
Coding change: c.160C>T on transcript NM_000155.4 (MANE Select); coding-DNA position 160, C replaced by T.
Protein change: p.Gln54Ter; replaces glutamine 54 with a stop codon.
Molecular consequence: nonsense. On other transcripts: 5 prime UTR variant (1).
Genome position (GRCh38, 1-based): chr9:34,647,166, C>T. VCF-style: chr9-34647166-C-T. GRCh37 (hg19) VCF-style: chr9-34647163-C-T.
Other names: c.-43C>T (NM_001258332.2); short protein forms Q54*.
Identifiers: ClinVar variation 3385115 (VCV003385115.1), dbSNP rs111033649.
Genomic context (GRCh38, chr9:34,647,166, plus strand): 5'-TACAACCCGCTGCAGGATGAGTGGGTGCTGGTGTCAGCTCACCGCATGAAGCGGCCCTGG[C>T]AGGGTCAAGTGGAGCCCCAGCTTCTGAAGACAGTGCCCCGCCATGACCCTCTCAACCCTC-3'